The following is an entry in ClinVar:

NM_000038.6(APC):c.7489_7490delinsAA (p.Ser2497Lys)

Gene: APC (APC regulator of Wnt signaling pathway; plus strand). Cytogenetic location: 5q22.2.
Variant type: Indel.
Coding change: c.7489_7490delinsAA on transcript NM_000038.6 (MANE Select); coding-DNA positions 7489 to 7490, TC replaced by AA.
Protein change: p.Ser2497Lys; replaces serine 2497 with lysine.
Molecular consequence: missense variant.
Genome position (GRCh38, 1-based): chr5:112,843,083-112,843,084, TC replaced by AA. VCF-style: chr5-112843083-TC-AA. GRCh37 (hg19) VCF-style: chr5-112178780-TC-AA.
Other names: c.7489_7490delinsAA, p.Ser2497Lys (NM_001127510.3, NM_001354895.2); c.7435_7436delinsAA, p.Ser2479Lys (NM_001127511.3); c.7519_7520delinsAA, p.Ser2507Lys (NM_001354897.2); c.7414_7415delinsAA, p.Ser2472Lys (NM_001354898.2); c.7543_7544delinsAA, p.Ser2515Lys (NM_001354896.2); c.7405_7406delinsAA, p.Ser2469Lys (NM_001354899.2); c.7366_7367delinsAA, p.Ser2456Lys (NM_001354900.2); c.7312_7313delinsAA, p.Ser2438Lys (NM_001354901.2); and 16 more; short protein forms S2371K, S2456K, S2469K, S2472K, S2490K, S2497K, S2507K, S2368K.
Identifiers: ClinVar variation 1759129 (VCV001759129.2), dbSNP rs2533797233, ClinGen allele CA2580072378.

ClinVar aggregate classification (germline): Uncertain significance (1 of 4 stars; one submission).

Conditions:
Hereditary cancer-predisposing syndrome. Also called: Neoplastic Syndromes, Hereditary; Tumor predisposition; Hereditary Cancer Syndrome; Hereditary neoplastic syndrome. Identifiers: Orphanet 140162, MedGen C0027672, MeSH D009386, MONDO:0015356.

Submission:

Ambry Genetics
Classification: Uncertain significance for Hereditary cancer-predisposing syndrome. Last evaluated: 2022-01-19. Review status: criteria provided, single submitter. Criteria: Ambry Variant Classification Scheme 2023. Collection method: clinical testing. Allele origin: germline.
Comment: The c.7489_7490delTCinsAA variant (also known as p.S2497K), located in coding exon 15 of the APC gene, results from an in-frame deletion of TC and insertion of AA at nucleotide positions 7489 to 7490. This results in the substitution of the serine residue for a lysine residue at codon 2497, an amino acid with dissimilar properties. This amino acid position is not well conserved in available vertebrate species. In addition, this alteration is predicted to be neutral by in silico analysis (Choi Y et al. PLoS ONE. 2012; 7(10):e46688). Since supporting evidence is limited at this time, the clinical significance of this alteration remains unclear.